The following is an entry in ClinVar:

NM_002474.3(MYH11):c.4122C>T (p.Ser1374=)

Genes: NDE1 (nudE neurodevelopment protein 1; plus strand), MYH11 (myosin heavy chain 11; minus strand). Cytogenetic location: 16p13.11.
Variant type: single nucleotide variant.
Coding change: c.4122C>T on transcript NM_002474.3 (MANE Select); coding-DNA position 4122, C replaced by T.
Protein change: p.Ser1374=; no amino-acid change (serine 1374 retained).
Molecular consequence: synonymous variant. On other transcripts: 3 prime UTR variant (2).
Genome position (GRCh38, 1-based): chr16:15,724,404, G>A on the plus strand (C>T on the coding strand, the complement: MYH11 is on the minus strand). VCF-style: chr16-15724404-G-A. GRCh37 (hg19) VCF-style: chr16-15818261-G-A.
Other names: c.4143C>T, p.Ser1381= (NM_001040113.2, NM_001040114.2); c.4122C>T, p.Ser1374= (NM_022844.3); c.*153G>A (NM_001143979.2, NM_017668.3).
Identifiers: ClinVar variation 923952 (VCV000923952.15), dbSNP rs377329568, ClinGen allele CA7921755.

ClinVar aggregate classification (germline): Likely benign. Review status: criteria provided, multiple submitters, no conflicts (2 of 4 stars). 4 submissions from 4 submitters: Likely benign (4). Last evaluated 2025-11-11.

Conditions:
Familial thoracic aortic aneurysm and aortic dissection (TAAD). Also called: Thoracic aortic aneurysms and dissections. Identifiers: Orphanet 91387, MedGen C4707243, MONDO:0019625.
Aortic aneurysm, familial thoracic 4 (AAT4). Also called: AORTIC ANEURYSM/AORTIC DISSECTION AND PATENT DUCTUS ARTERIOSUS. Identifiers: MedGen C1851504, MONDO:0007568, OMIM 132900.

Allele frequency attached by ClinVar (database versions not stated): gnomAD 0.00001 and 0.00004; TOPMed 0.00003; gnomAD exomes 0.00005 and 0.00008; ExAC 0.00008; 1000 Genomes Project 30x 0.00016; 1000 Genomes Project 0.00020.
gnomAD v4.1: 84 of 1,613,808 alleles (0.0052%); highest among the groups gnomAD compares: South Asian, 0.057%; no homozygotes.

Submissions (4):

Labcorp Genetics (formerly Invitae), Labcorp
Classification: Likely benign for Aortic aneurysm, familial thoracic 4. Last evaluated: 2025-11-11. Review status: criteria provided, single submitter. Criteria: Invitae Variant Classification Sherloc (09022015). Collection method: clinical testing. Allele origin: germline.

All of Us Research Program, National Institutes of Health
Classification: Likely benign for Familial thoracic aortic aneurysm and aortic dissection. Last evaluated: 2024-06-17. Review status: criteria provided, single submitter. Criteria: ACMG Guidelines, 2015. Collection method: clinical testing. Allele origin: germline. Inheritance: Autosomal dominant inheritance. Observed: 8 variant alleles, 8 heterozygotes.
Comment: This study involves interpretation of variants in research participants for the purpose of population health screening. Participant phenotype was not available at the time of variant classification. Additional details can be found in publication PMID: 35346344, PMCID: PMC8962531

Color Diagnostics, LLC DBA Color Health
Classification: Likely benign for Familial thoracic aortic aneurysm and aortic dissection. Last evaluated: 2019-09-04. Review status: criteria provided, single submitter. Criteria: ACMG Guidelines, 2015. Collection method: clinical testing. Allele origin: germline.

Ambry Genetics
Classification: Likely benign for Familial thoracic aortic aneurysm and aortic dissection. Last evaluated: 2019-05-27. Review status: criteria provided, single submitter. Criteria: Ambry Variant Classification Scheme 2023. Collection method: clinical testing. Allele origin: germline.